The following is an entry in ClinVar:

ClinVar aggregate classification (germline): Likely benign. Review status: criteria provided, multiple submitters, no conflicts (2 of 4 stars). 5 submissions from 5 submitters: Likely benign (4). 1 of the submissions does not count toward it. Last evaluated 2025-11-03.

Conditions:
LYRM7-related disorder. Also called: LYRM7-related condition.

Allele frequency attached by ClinVar (database versions not stated): gnomAD exomes 0.00033 and 0.00062; ExAC 0.00036; gnomAD 0.00037; TOPMed 0.00038; ESP Exome Variant Server 0.00108.
gnomAD v4.1: 939 of 1,612,786 alleles (0.058%); highest among the groups gnomAD compares: Non-Finnish European, 0.076%; no homozygotes.

Submissions (5):

Labcorp Genetics (formerly Invitae), Labcorp
Classification: Likely benign. Last evaluated: 2025-11-03. Review status: criteria provided, single submitter. Criteria: Invitae Variant Classification Sherloc (09022015). Collection method: clinical testing. Allele origin: germline.

Blueprint Genetics
Classification: Likely benign. Last evaluated: 2024-11-19. Review status: criteria provided, single submitter. Criteria: ACMG Guidelines, 2015. Collection method: clinical testing. Allele origin: germline.

CeGaT Center for Human Genetics Tuebingen
Classification: Likely benign. Last evaluated: 2024-01-01. Review status: criteria provided, single submitter. Criteria: CeGaT Center For Human Genetics Tuebingen Variant Classification Criteria Version 2. Collection method: clinical testing. Allele origin: germline. Affected: yes. Observed: 1 variant allele.
Comment: LYRM7: BP4, BP7

GeneDx
Classification: Likely benign. Last evaluated: 2020-10-01. Review status: criteria provided, single submitter. Criteria: GeneDx Variant Classification Process June 2021. Collection method: clinical testing. Allele origin: germline. Affected: yes.

PreventionGenetics, part of Exact Sciences
Classification: Likely benign for LYRM7-related condition. Last evaluated: 2019-05-07. Review status: no assertion criteria provided. Collection method: clinical testing. Allele origin: germline. Not counted in ClinVar's aggregate classification.
Comment: This variant is classified as likely benign based on ACMG/AMP sequence variant interpretation guidelines (Richards et al. 2015 PMID: 25741868, with internal and published modifications).

NM_181705.4(LYRM7):c.51C>T (p.Thr17=)

Gene: LYRM7 (LYR motif containing 7; plus strand). Cytogenetic location: 5q23.3.
Variant type: single nucleotide variant.
Coding change: c.51C>T on transcript NM_181705.4 (MANE Select); coding-DNA position 51, C replaced by T.
Protein change: p.Thr17=; no amino-acid change (threonine 17 retained).
Molecular consequence: synonymous variant. On other transcripts: non-coding transcript variant (1).
Genome position (GRCh38, 1-based): chr5:131,180,127, C>T. VCF-style: chr5-131180127-C-T. GRCh37 (hg19) VCF-style: chr5-130515820-C-T.
Other names: c.51C>T, p.Thr17= (NM_001293735.2).
Identifiers: ClinVar variation 390001 (VCV000390001.37), dbSNP rs144249672, ClinGen allele CA3398724.
Genomic context (GRCh38, chr5:131,180,127, plus strand): 5'-CAACCTTGAATTCTGATTTTCTTAACAGGTTTTACAGCTCTTTAAAACACTGCACAGGAC[C>T]AGACAACAAGTTTTTAAAAATGATGCCAGAGCATTAGAAGGTAAGTATGTTCTTTACCCC-3'
Protein context (NP_859056.2, residues 7-27): VLQLFKTLHR[Thr17=]RQQVFKNDAR